The following is an entry in ClinVar:

NM_005629.4(SLC6A8):c.1703C>A (p.Ser568Tyr)

Gene: SLC6A8 (solute carrier family 6 member 8; plus strand). Cytogenetic location: Xq28.
Variant type: single nucleotide variant.
Coding change: c.1703C>A on transcript NM_005629.4 (MANE Select); coding-DNA position 1703, C replaced by A.
Protein change: p.Ser568Tyr; replaces serine 568 with tyrosine.
Molecular consequence: missense variant.
Genome position (GRCh38, 1-based): chrX:153,694,825, C>A. VCF-style: chrX-153694825-C-A. GRCh37 (hg19) VCF-style: chrX-152960280-C-A.
Other names: NM_005629.4(SLC6A8):c.1703C>A; p.Ser568Tyr; c.1673C>A, p.Ser558Tyr (NM_001142805.2); c.1358C>A, p.Ser453Tyr (NM_001142806.1); short protein forms S453Y, S558Y, S568Y.
Identifiers: ClinVar variation 666596 (VCV000666596.3), dbSNP rs1603217815, ClinGen allele CA415090890.

ClinVar aggregate classification (germline): Uncertain significance. Review status: reviewed by expert panel (3 of 4 stars). 2 submissions from 2 submitters: Uncertain significance (1). 1 of the submissions does not count toward it. Last evaluated 2026-04-28.

Conditions:
Creatine transporter deficiency (CCDS1). Also called: Mental retardation , X-linked with seizures, short stature and midface hypoplasia; Mental retardation , X-linked, with creatine transport deficiency; X-linked creatine transporter deficiency; X-linked creatine deficiency syndrome; SLC6A8-Related Creatine Transporter Deficiency; CREATINE TRANSPORTER DEFECT. Identifiers: Orphanet 52503, MedGen C1845862, MONDO:0010305, OMIM 300352.

Submissions (2):

ClinGen Cerebral Creatine Deficiency Syndromes Variant Curation Expert Panel, ClinGen
Classification: Uncertain significance for Creatine transporter deficiency. Last evaluated: 2026-04-28. Review status: reviewed by expert panel. Criteria: ClinGen_CCDS_ACMG_Specifications_SLC6A8_v1.1. Collection method: curation. Allele origin: germline. Inheritance: X-linked inheritance.
Comment: The NM_005629.4: c.1703C>A variant in SLC6A8 is a missense variant predicted to cause substitution of Serine for Tyrosine at amino acid 568 (p.Ser568Tyr). This variant is absent in gnomAD v4.1.0 (PM2_Supporting). The computational predictor REVEL gives a score of 0.9369 which is above the threshold of 0.75, evidence that correlates with impact to SLC6A8 function (PP3). To our knowledge, this variant has not been previously reported in affected individuals in the literature. There is a ClinVar entry for this variant (Variation ID: 666596). In summary, this variant meets the criteria to be classified as a variant of uncertain significance for creatine transporter deficiency based on the SLC6A8-specific ACMG/AMP criteria applied, as specified by the ClinGen Cerebral Creatine Deficiency Syndromes Variant Curation Expert Panel (Specifications Version 1.2.0): PM2_Supporting, PP3. (Classification approved by the ClinGen CCDS VCEP on April 28, 2026).

Equipe Genetique des Anomalies du Developpement, Université de Bourgogne
Classification: Pathogenic for Creatine transporter deficiency. Last evaluated: 2018-08-07. Review status: criteria provided, single submitter. Criteria: ACMG Guidelines, 2015. Collection method: clinical testing. Allele origin: maternal. Affected: yes. Not counted in ClinVar's aggregate classification.